The following is an entry in ClinVar:

ClinVar aggregate classification (germline): Uncertain significance (1 of 4 stars; one submission).

Conditions:
Hereditary cancer-predisposing syndrome. Also called: Tumor predisposition; Hereditary Cancer Syndrome; Hereditary neoplastic syndrome; Neoplastic Syndromes, Hereditary. Identifiers: Orphanet 140162, MedGen C0027672, MeSH D009386, MONDO:0015356.

Submission:

Ambry Genetics
Classification: Uncertain significance for Hereditary cancer-predisposing syndrome. Last evaluated: 2023-07-15. Review status: criteria provided, single submitter. Criteria: Ambry Variant Classification Scheme 2023. Collection method: clinical testing. Allele origin: germline.
Comment: The p.L1329F variant (also known as c.3985C>T), located in coding exon 31 of the POLE gene, results from a C to T substitution at nucleotide position 3985. The leucine at codon 1329 is replaced by phenylalanine, an amino acid with highly similar properties. This amino acid position is conserved. In addition, this alteration is predicted to be tolerated by in silico analysis. Since supporting evidence is limited at this time, the clinical significance of this alteration remains unclear.

NM_006231.4(POLE):c.3985C>T (p.Leu1329Phe)

Gene: POLE (DNA polymerase epsilon, catalytic subunit; minus strand). Cytogenetic location: 12q24.33.
Variant type: single nucleotide variant.
Coding change: c.3985C>T on transcript NM_006231.4 (MANE Select); coding-DNA position 3985, C replaced by T.
Protein change: p.Leu1329Phe; replaces leucine 1329 with phenylalanine.
Molecular consequence: missense variant.
Genome position (GRCh38, 1-based): chr12:132,649,326, G>A on the plus strand (C>T on the coding strand, the complement: POLE is on the minus strand). VCF-style: chr12-132649326-G-A. GRCh37 (hg19) VCF-style: chr12-133225912-G-A.
Other names: short protein forms L1329F.
Identifiers: ClinVar variation 2605084 (VCV002605084.2), dbSNP rs2138605206, ClinGen allele CA387384705.